The following is an entry in ClinVar:

NM_198721.4(COL25A1):c.1845+2120_1845+2130dup

Gene: COL25A1 (collagen type XXV alpha 1 chain; minus strand). Cytogenetic location: 4q25.
Variant type: Duplication.
Coding change: c.1845+2120_1845+2130dup on transcript NM_198721.4 (MANE Select); bases 2120 to 2130 of the intron after coding-DNA position 1845, 11 bases duplicated (AAAAAAAAAAA).
Molecular consequence: intron variant.
Genome position (GRCh38, 1-based): chr4:108,822,044-108,822,054, TTTTTTTTTTT duplicated on the plus strand (AAAAAAAAAAA on the coding strand, the reverse complement: COL25A1 is on the minus strand); duplicating any 11 consecutive bases within chr4:108,822,044-108,822,060 gives the same sequence; the c. name uses the placement nearest the transcript's 3' end. VCF-style (leftmost placement, unchanged base first): chr4-108822043-A-ATTTTTTTTTTT. GRCh37 (hg19) VCF-style: chr4-109743199-A-ATTTTTTTTTTT.
Identifiers: ClinVar variation 4281235 (VCV004281235.7).
Genomic context (GRCh38, chr4:108,822,043, plus strand): 5'-TTCCTATGCTGTAATGCTGGTAATTTCTTTCTCATAAACGTGAGTATCCTCCTAATGGTA[A>ATTTTTTTTTTT]TTTTTTTTTTTTTTTTTGGGACAGGGTCTCACTCTTGTTGCCCAGGCTGGAGTGCAATGG-3'

ClinVar aggregate classification (germline): Benign (1 of 4 stars; one submission).

Submission:

CeGaT Center for Human Genetics Tuebingen
Classification: Benign. Last evaluated: 2025-09-01. Review status: criteria provided, single submitter. Criteria: CeGaT Center For Human Genetics Tuebingen Variant Classification Criteria Version 2. Collection method: clinical testing. Allele origin: germline. Affected: yes. Observed: 1 variant allele.
Comment: COL25A1: BS1, BS2